The following is an entry in ClinVar:

NM_014639.4(SKIC3):c.811del (p.Ser271fs)

Gene: SKIC3 (SKI3 subunit of superkiller complex; minus strand). Cytogenetic location: 5q15.
Variant type: Deletion.
Coding change: c.811del on transcript NM_014639.4 (MANE Select); coding-DNA position 811, one base deleted (A; older notation c.811delA).
Protein change: p.Ser271fs; shifts the reading frame from serine 271.
Molecular consequence: frameshift variant.
Genome position (GRCh38, 1-based): chr5:95,530,170, T deleted on the plus strand (A on the coding strand, the reverse complement: SKIC3 is on the minus strand); the first of 5 consecutive T bases (chr5:95,530,170-95,530,174); deleting any one gives the same sequence. VCF-style (leftmost placement, unchanged base first): chr5-95530169-CT-C. GRCh37 (hg19) VCF-style: chr5-94865873-CT-C.
Other names: short protein forms S271fs.
Identifiers: ClinVar variation 2734752 (VCV002734752.4), dbSNP rs751603525, ClinGen allele CA3347525.
Genomic context (GRCh38, chr5:95,530,169, plus strand): 5'-GCATCTTCATACTTTTTGTCTTGTAATGCTTTAATGCCTAAGCCAATGAGGCCTGGACCA[CT>C]TTTTGAATCCATTTCCACTAATCTACAACAATACTGCTGCCCCTCATCAGTAAGATTTCC-3'

ClinVar aggregate classification (germline): Pathogenic/Likely pathogenic. Review status: criteria provided, multiple submitters, no conflicts (2 of 4 stars). 2 submissions from 2 submitters: Pathogenic (1); Likely pathogenic (1). Last evaluated 2025-10-21.

Conditions:
TTC37-related disorders.

Submissions (2):

Labcorp Genetics (formerly Invitae), Labcorp
Classification: Pathogenic. Last evaluated: 2025-10-21. Review status: criteria provided, single submitter. Criteria: Invitae Variant Classification Sherloc (09022015). Collection method: clinical testing. Allele origin: germline.
Comment: This sequence change creates a premature translational stop signal (p.Ser271Valfs*8) in the TTC37 gene. It is expected to result in an absent or disrupted protein product. Loss-of-function variants in TTC37 are known to be pathogenic (PMID: 20176027, 21120949). This variant is present in population databases (rs751603525, gnomAD 0.002%). This premature translational stop signal has been observed in individual(s) with clinical features of trichohepatoenteric syndrome (PMID: 23302111). ClinVar contains an entry for this variant (Variation ID: 2734752). For these reasons, this variant has been classified as Pathogenic.

Blueprint Genetics
Classification: Likely pathogenic for TTC37-related disorders. Last evaluated: 2024-07-05. Review status: criteria provided, single submitter. Criteria: ACMG Guidelines, 2015. Collection method: clinical testing. Allele origin: germline. Affected: yes. Observed: 3 variant alleles.

Literature cited by the submitters: PubMed 20176027 (cited by Labcorp Genetics (formerly Invitae), Labcorp); PubMed 21120949 (cited by Labcorp Genetics (formerly Invitae), Labcorp); PubMed 23302111 (cited by Labcorp Genetics (formerly Invitae), Labcorp).